The following is an entry in ClinVar:

NM_001384125.1(BLTP1):c.3396C>T (p.Gly1132=)

Gene: BLTP1 (bridge-like lipid transfer protein family member 1; plus strand). Cytogenetic location: 4q27.
Variant type: single nucleotide variant.
Coding change: c.3396C>T on transcript NM_001384125.1 (MANE Select); coding-DNA position 3396, C replaced by T.
Protein change: p.Gly1132=; no amino-acid change (glycine 1132 retained).
Molecular consequence: synonymous variant.
Genome position (GRCh38, 1-based): chr4:122,234,845, C>T. VCF-style: chr4-122234845-C-T. GRCh37 (hg19) VCF-style: chr4-123156000-C-T.
Other names: c.3396C>T, p.Gly1132= (NM_015312.4).
Identifiers: ClinVar variation 3034376 (VCV003034376.2), dbSNP rs192606274, ClinGen allele CA3066138.

ClinVar aggregate classification (germline): Benign (0 of 4 stars; one submission).

Conditions:
BLTP1-related disorder. Also called: BLTP1-related condition.

Allele frequency attached by ClinVar (database versions not stated): gnomAD exomes 0.00035; ExAC 0.00095; 1000 Genomes Project 30x 0.00203; 1000 Genomes Project 0.00240; gnomAD 0.00338; ESP Exome Variant Server 0.00367; TOPMed 0.00372.
gnomAD v4.1: 1,021 of 1,598,456 alleles (0.064%); highest among the groups gnomAD compares: African/African-American, 1.1%; 7 homozygotes.

Submission:

PreventionGenetics, part of Exact Sciences
Classification: Benign for BLTP1-related condition. Last evaluated: 2019-02-19. Review status: no assertion criteria provided. Collection method: clinical testing. Allele origin: germline.
Comment: This variant is classified as benign based on ACMG/AMP sequence variant interpretation guidelines (Richards et al. 2015 PMID: 25741868, with internal and published modifications).